The following is an entry in ClinVar:

ClinVar aggregate classification (germline): Conflicting classifications of pathogenicity. Review status: criteria provided, conflicting classifications (1 of 4 stars). 2 submissions from 2 submitters: Uncertain significance (1); Benign (1). Last evaluated 2026-04-01.

Allele frequency attached by ClinVar (database versions not stated): 1000 Genomes Project 30x 0.00094; 1000 Genomes Project 0.00100.
gnomAD v4.1: 441 of 1,599,742 alleles (0.028%); highest among the groups gnomAD compares: Middle Eastern, 0.52%; 4 homozygotes.

Submissions (2):

CeGaT Center for Human Genetics Tuebingen
Classification: Benign. Last evaluated: 2026-04-01. Review status: criteria provided, single submitter. Criteria: CeGaT Center For Human Genetics Tuebingen Variant Classification Criteria Version 2. Collection method: clinical testing. Allele origin: germline. Affected: yes. Observed: 6 variant alleles.
Comment: AHNAK2: BP4, BS1, BS2

Ambry Genetics
Classification: Uncertain significance. Last evaluated: 2025-08-03. Review status: criteria provided, single submitter. Criteria: Ambry Variant Classification Scheme 2023. Collection method: clinical testing. Allele origin: germline.

NM_138420.4(AHNAK2):c.3094C>A (p.Leu1032Met)

Gene: AHNAK2 (AHNAK nucleoprotein 2; minus strand). Cytogenetic location: 14q32.33.
Variant type: single nucleotide variant.
Coding change: c.3094C>A on transcript NM_138420.4 (MANE Select); coding-DNA position 3094, C replaced by A.
Protein change: p.Leu1032Met; replaces leucine 1032 with methionine.
Molecular consequence: missense variant.
Genome position (GRCh38, 1-based): chr14:104,952,357, G>T on the plus strand (C>A on the coding strand, the complement: AHNAK2 is on the minus strand). VCF-style: chr14-104952357-G-T. GRCh37 (hg19) VCF-style: chr14-105418694-G-T.
Other names: c.2794C>A, p.Leu932Met (NM_001350929.2); c.3094C>A (NM_138420.2); short protein forms L1032M, L932M.
Identifiers: ClinVar variation 2644864 (VCV002644864.25), dbSNP rs140208061, ClinGen allele CA7383228.